The following is an entry in ClinVar:

NM_001349338.3(FOXP1):c.1547A>G (p.Asn516Ser)

Gene: FOXP1 (forkhead box P1; minus strand). Cytogenetic location: 3p13.
Variant type: single nucleotide variant.
Coding change: c.1547A>G on transcript NM_001349338.3 (MANE Select); coding-DNA position 1547, A replaced by G.
Protein change: p.Asn516Ser; replaces asparagine 516 with serine.
Molecular consequence: missense variant. On other transcripts: non-coding transcript variant (2), intron variant (1).
Genome position (GRCh38, 1-based): chr3:70,972,660, T>C on the plus strand (A>G on the coding strand, the complement: FOXP1 is on the minus strand). VCF-style: chr3-70972660-T-C. GRCh37 (hg19) VCF-style: chr3-71021811-T-C.
Other names: c.1544A>G, p.Asn515Ser (NM_001244808.3, NM_001349341.3); c.1319A>G, p.Asn440Ser (NM_001244812.3); c.1247A>G, p.Asn416Ser (NM_001244813.3, NM_001244815.2, NM_001349342.3); c.1547A>G, p.Asn516Ser (NM_001244814.3, NM_001244816.2, NM_001349340.3 and 1 more transcripts); c.1244A>G, p.Asn415Ser (NM_001349337.2, NM_001349343.3, NM_001349344.3 and 1 more transcripts); c.1531-480A>G (NM_001244810.2); short protein forms N515S, N440S, N516S, N415S, N416S.
Identifiers: ClinVar variation 3667278 (VCV003667278.2).

ClinVar aggregate classification (germline): Uncertain significance (1 of 4 stars; one submission).

Submission:

Labcorp Genetics (formerly Invitae), Labcorp
Classification: Uncertain significance. Last evaluated: 2024-11-13. Review status: criteria provided, single submitter. Criteria: Invitae Variant Classification Sherloc (09022015). Collection method: clinical testing. Allele origin: germline.
Comment: This sequence change replaces asparagine, which is neutral and polar, with serine, which is neutral and polar, at codon 516 of the FOXP1 protein (p.Asn516Ser). This variant is not present in population databases (gnomAD no frequency). This variant has not been reported in the literature in individuals affected with FOXP1-related conditions. Invitae Evidence Modeling of protein sequence and biophysical properties (such as structural, functional, and spatial information, amino acid conservation, physicochemical variation, residue mobility, and thermodynamic stability) indicates that this missense variant is expected to disrupt FOXP1 protein function with a positive predictive value of 80%. In summary, the available evidence is currently insufficient to determine the role of this variant in disease. Therefore, it has been classified as a Variant of Uncertain Significance.